The following is an entry in ClinVar:

ClinVar aggregate classification (germline): Likely pathogenic (1 of 4 stars; one submission).

Conditions:
Primary ciliary dyskinesia. Also called: Ciliary dyskinesia. Identifiers: Orphanet 244, MedGen C0008780, MONDO:0016575, HP:0012265.

Submission:

Department of Human Genetics, Hannover Medical School
Classification: Likely pathogenic for Primary Ciliary Dyskinesia. Last evaluated: 2026-04-01. Review status: criteria provided, single submitter. Criteria: ACMG Guidelines, 2015. Collection method: research. Allele origin: germline. Affected: no.
Comment: Classification performed by HerediClassify using the following criteria:['PM2_supporting: Variant occures does not occur as homozygous in gnomAD.', 'PP3_splicing_supporting: Variant is predicted to have a splice effect by SpliceAI with evidence strength supporting.', 'PVS1_protein_very_strong: Transcript ENST00000382745 is predicted to undergo NMD.']

NM_001287.6(CLCN7):c.1035C>A (p.Tyr345Ter)

Gene: CLCN7 (Cl-/H+ antiporter 7; minus strand). Cytogenetic location: 16p13.3.
Variant type: single nucleotide variant.
Coding change: c.1035C>A on transcript NM_001287.6 (MANE Select); coding-DNA position 1035, C replaced by A.
Protein change: p.Tyr345Ter; replaces tyrosine 345 with a stop codon.
Molecular consequence: nonsense.
Genome position (GRCh38, 1-based): chr16:1,455,197, G>T on the plus strand (C>A on the coding strand, the complement: CLCN7 is on the minus strand). VCF-style: chr16-1455197-G-T. GRCh37 (hg19) VCF-style: chr16-1505198-G-T.
Other names: c.963C>A, p.Tyr321Ter (NM_001114331.3); short protein forms Y321*, Y345*.
Identifiers: ClinVar variation 4880172 (VCV004880172.1).